The following is an entry in ClinVar:

ClinVar aggregate classification (germline): Pathogenic/Likely pathogenic. Review status: criteria provided, multiple submitters, no conflicts (2 of 4 stars). 2 submissions from 2 submitters: Pathogenic (1); Likely pathogenic (1). Last evaluated 2023-10-22.

Conditions:
Trichohepatoenteric syndrome 2 (THES2). Identifiers: Orphanet 84064, MedGen C3281289, MONDO:0013818, OMIM 614602.

Allele frequency attached by ClinVar (database versions not stated): gnomAD 0.00001; gnomAD exomes 0.00001; ExAC 0.00003.
gnomAD v4.1: 11 of 1,612,816 alleles (0.00068%); highest among the groups gnomAD compares: Non-Finnish European, 0.00093%; no homozygotes.

Submissions (2):

Labcorp Genetics (formerly Invitae), Labcorp
Classification: Likely pathogenic. Last evaluated: 2023-10-22. Review status: criteria provided, single submitter. Criteria: Invitae Variant Classification Sherloc (09022015). Collection method: clinical testing. Allele origin: germline.
Comment: This sequence change affects an acceptor splice site in intron 19 of the SKIV2L gene. It is expected to disrupt RNA splicing. Variants that disrupt the donor or acceptor splice site typically lead to a loss of protein function (PMID: 16199547), and loss-of-function variants in SKIV2L are known to be pathogenic (PMID: 22444670). This variant is present in population databases (rs781763471, gnomAD 0.003%). Disruption of this splice site has been observed in individual(s) with trichohepatoenteric syndrome (PMID: 29527791). ClinVar contains an entry for this variant (Variation ID: 561107). Algorithms developed to predict the effect of sequence changes on RNA splicing suggest that this variant may disrupt the consensus splice site. In summary, the currently available evidence indicates that the variant is pathogenic, but additional data are needed to prove that conclusively. Therefore, this variant has been classified as Likely Pathogenic.

Baylor Genetics
Classification: Pathogenic for Trichohepatoenteric syndrome 2. Last evaluated: 2017-09-01. Review status: criteria provided, single submitter. Criteria: ACMG Guidelines, 2015. Collection method: clinical testing. Allele origin: paternal. Inheritance: Autosomal recessive inheritance. Affected: yes.

Literature cited by the submitters: PubMed 16199547 (cited by Labcorp Genetics (formerly Invitae), Labcorp); PubMed 22444670 (cited by Labcorp Genetics (formerly Invitae), Labcorp); PubMed 29527791 (cited by Labcorp Genetics (formerly Invitae), Labcorp); PubMed 25326635 (cited by Baylor Genetics).

NM_006929.5(SKIC2):c.2341-2A>G

Gene: SKIC2 (SKI2 subunit of superkiller complex; plus strand). Cytogenetic location: 6p21.33.
Variant type: single nucleotide variant.
Coding change: c.2341-2A>G on transcript NM_006929.5 (MANE Select); the canonical splice acceptor site of the intron before coding-DNA position 2341, A replaced by G.
Molecular consequence: splice acceptor variant.
Genome position (GRCh38, 1-based): chr6:31,967,002, A>G. VCF-style: chr6-31967002-A-G. GRCh37 (hg19) VCF-style: chr6-31934779-A-G.
Identifiers: ClinVar variation 561107 (VCV000561107.8), dbSNP rs781763471, ClinGen allele CA3729753.